The following is an entry in ClinVar:

ClinVar aggregate classification (germline): Pathogenic (1 of 4 stars; one submission).

Submission:

GeneDx
Classification: Pathogenic. Last evaluated: 2017-05-01. Review status: criteria provided, single submitter. Criteria: GeneDx Variant Classification (06012015). Collection method: clinical testing. Allele origin: germline. Affected: yes.
Comment: Although the c.6551_6552dupTG pathogenic variant in the FBN1 gene has not been reported to our knowledge, this variant results in the replacement of the isoleucine residue at codon 2185 with a premature stop codon, denoted p.I2185X. This pathogenic variant is expected to result in either an abnormal, truncated protein product or loss of protein from this allele through nonsense-mediated mRNA decay. Other downstream frameshift variants in the FBN1 gene have been reported in Human Gene Mutation Database in association with Marfan syndrome (Stenson et al., 2014), indicating that loss of function is a mechanism of disease for this gene. Furthermore, the c.6551_6552dupTG variant has not been observed in large population cohorts (Lek et al., 2016; 1000 Genomes Consortium et al., 2015; Exome Variant Server). In summary, c.6551_6552dupTG in the FBN1 gene is interpreted as a pathogenic variant.

NM_000138.5(FBN1):c.6551_6552dup (p.Ile2185Ter)

Gene: FBN1 (fibrillin 1; minus strand). Cytogenetic location: 15q21.1.
Variant type: Microsatellite.
Coding change: c.6551_6552dup on transcript NM_000138.5 (MANE Select); coding-DNA positions 6551 to 6552, 2 bases duplicated (TG; older notation c.6551_6552dupTG).
Protein change: p.Ile2185Ter; replaces isoleucine 2185 with a stop codon.
Molecular consequence: nonsense.
Genome position (GRCh38, 1-based): chr15:48,434,658-48,434,659, CA duplicated on the plus strand (TG on the coding strand, the reverse complement: FBN1 is on the minus strand); duplicating any 2 consecutive bases within chr15:48,434,658-48,434,661 gives the same sequence; the c. name uses the placement nearest the transcript's 3' end. VCF-style (leftmost placement, unchanged base first): chr15-48434657-T-TCA. GRCh37 (hg19) VCF-style: chr15-48726854-T-TCA.
Other names: short protein forms I2185*.
Identifiers: ClinVar variation 432254 (VCV000432254.1), dbSNP rs1555395009, ClinGen allele CA645372571.
Genomic context (GRCh38, chr15:48,434,657, plus strand): 5'-CACATGTCATCATTGGACCGGGCTCAAATCCCTCCTCGCAGGTGCATTCAAAACCTCCAA[T>TCA]CACATTCTTGCAGGTTCCATTTCCACAAGGATTGCCAACAGAACATTCATCAGTATCTGC-3'